The following is an entry in ClinVar:

NM_001252024.2(TRPM1):c.449C>T (p.Ala150Val)

Gene: TRPM1 (transient receptor potential cation channel subfamily M member 1; minus strand). Cytogenetic location: 15q13.3.
Variant type: single nucleotide variant.
Coding change: c.449C>T on transcript NM_001252024.2 (MANE Select); coding-DNA position 449, C replaced by T.
Protein change: p.Ala150Val; replaces alanine 150 with valine.
Molecular consequence: missense variant.
Genome position (GRCh38, 1-based): chr15:31,067,923, G>A on the plus strand (C>T on the coding strand, the complement: TRPM1 is on the minus strand). VCF-style: chr15-31067923-G-A. GRCh37 (hg19) VCF-style: chr15-31360126-G-A.
Other names: c.500C>T, p.Ala167Val (NM_001252020.2); c.383C>T, p.Ala128Val (NM_002420.6); short protein forms A150V, A167V, A128V.
Identifiers: ClinVar variation 1431194 (VCV001431194.3), dbSNP rs771506848, ClinGen allele CA7452956.
Genomic context (GRCh38, chr15:31,067,923, plus strand): 5'-AAGGGCCTGCTCTTACCTGTGCTGACACCCCCGGTGAAGATCCAGGCCCCGGTGGTCATA[G>A]CAGCCTTGATCAGGCCTTTCCCAAAGACTTGTTTCAGCTTGGGCTGCATCTCAAAGTTCT-3'
Protein context (NP_001238953.1, residues 140-160): QVFGKGLIKA[Ala150Val]MTTGAWIFTG

ClinVar aggregate classification (germline): Uncertain significance (1 of 4 stars; one submission).

Allele frequency attached by ClinVar (database versions not stated): TOPMed below 0.00001; gnomAD exomes 0.00001; ExAC 0.00002.
gnomAD v4.1: 8 of 1,613,930 alleles (0.0005%); highest among the groups gnomAD compares: Non-Finnish European, 0.00068%; no homozygotes.

Submission:

Labcorp Genetics (formerly Invitae), Labcorp
Classification: Uncertain significance. Last evaluated: 2022-08-31. Review status: criteria provided, single submitter. Criteria: Invitae Variant Classification Sherloc (09022015). Collection method: clinical testing. Allele origin: germline.
Comment: This sequence change replaces alanine, which is neutral and non-polar, with valine, which is neutral and non-polar, at codon 128 of the TRPM1 protein (p.Ala128Val). This variant is present in population databases (rs771506848, gnomAD 0.003%). This variant has not been reported in the literature in individuals affected with TRPM1-related conditions. ClinVar contains an entry for this variant (Variation ID: 1431194). Algorithms developed to predict the effect of missense changes on protein structure and function (SIFT, PolyPhen-2, Align-GVGD) all suggest that this variant is likely to be disruptive. In summary, the available evidence is currently insufficient to determine the role of this variant in disease. Therefore, it has been classified as a Variant of Uncertain Significance.